The following is an entry in ClinVar:

ClinVar aggregate classification (germline): Uncertain significance (1 of 4 stars; one submission).

Submission:

GeneDx
Classification: Uncertain significance. Last evaluated: 2025-04-18. Review status: criteria provided, single submitter. Criteria: GeneDx Variant Classification Process June 2021. Collection method: clinical testing. Allele origin: germline. Affected: yes.
Comment: Nonsense variant predicted to result in protein truncation as the last 12 amino acid(s) are lost; Not observed at significant frequency in large population cohorts (gnomAD); Has not been previously published as pathogenic or benign to our knowledge

NM_000334.4(SCN4A):c.5473C>T (p.Gln1825Ter)

Genes: GH-LCR (growth hormone locus control region; plus strand), SCN4A (sodium voltage-gated channel alpha subunit 4; minus strand). Cytogenetic location: 17q23.3.
Variant type: single nucleotide variant.
Coding change: c.5473C>T on transcript NM_000334.4 (MANE Select); coding-DNA position 5473, C replaced by T.
Protein change: p.Gln1825Ter; replaces glutamine 1825 with a stop codon.
Molecular consequence: nonsense.
Genome position (GRCh38, 1-based): chr17:63,940,809, G>A on the plus strand (C>T on the coding strand, the complement: SCN4A is on the minus strand). VCF-style: chr17-63940809-G-A. GRCh37 (hg19) VCF-style: chr17-62018169-G-A.
Other names: short protein forms Q1825*.
Identifiers: ClinVar variation 4282078 (VCV004282078.1).